The following is an entry in ClinVar:

NM_001365999.1(SZT2):c.9040C>T (p.Arg3014Ter)

Gene: SZT2 (SZT2 subunit of KICSTOR complex; plus strand). Cytogenetic location: 1p34.2.
Variant type: single nucleotide variant.
Coding change: c.9040C>T on transcript NM_001365999.1 (MANE Select); coding-DNA position 9040, C replaced by T.
Protein change: p.Arg3014Ter; replaces arginine 3014 with a stop codon.
Molecular consequence: nonsense.
Genome position (GRCh38, 1-based): chr1:43,446,384, C>T. VCF-style: chr1-43446384-C-T. GRCh37 (hg19) VCF-style: chr1-43912055-C-T.
Other names: c.8869C>T, p.Arg2957Ter (NM_015284.4); c.481C>T, p.Arg161Ter (NM_024547.1); c.8869C>T (NM_015284.3); short protein forms R161*, R2957*, R3014*.
Identifiers: ClinVar variation 1990535 (VCV001990535.29), dbSNP rs752035788, ClinGen allele CA810795.

ClinVar aggregate classification (germline): Pathogenic/Likely pathogenic. Review status: criteria provided, multiple submitters, no conflicts (2 of 4 stars). 4 submissions from 4 submitters: Pathogenic (3); Likely pathogenic (1). Last evaluated 2026-01-27.

Conditions:
Developmental and epileptic encephalopathy, 18 (DEE18). Also called: Early infantile epileptic encephalopathy 18. Identifiers: Orphanet 369894, MedGen C3809624, MONDO:0014201, OMIM 615476.

Allele frequency attached by ClinVar (database versions not stated): ExAC 0.00001; gnomAD 0.00001; TOPMed 0.00001.

Submissions (4):

GeneDx
Classification: Likely pathogenic. Last evaluated: 2026-01-27. Review status: criteria provided, single submitter. Criteria: GeneDx Variant Classification Process June 2021. Collection method: clinical testing. Allele origin: germline.
Comment: Nonsense variant predicted to result in protein truncation or nonsense mediated decay in a gene for which loss of function is a known mechanism of disease; Not observed at significant frequency in large population cohorts (gnomAD); Has not been previously published as pathogenic or benign to our knowledge

Labcorp Genetics (formerly Invitae), Labcorp
Classification: Pathogenic. Last evaluated: 2024-09-18. Review status: criteria provided, single submitter. Criteria: Invitae Variant Classification Sherloc (09022015). Collection method: clinical testing. Allele origin: germline.
Comment: This sequence change creates a premature translational stop signal (p.Arg2957*) in the SZT2 gene. It is expected to result in an absent or disrupted protein product. Loss-of-function variants in SZT2 are known to be pathogenic (PMID: 23932106, 27248490, 28556953). This variant is present in population databases (rs752035788, gnomAD 0.006%). This variant has not been reported in the literature in individuals affected with SZT2-related conditions. ClinVar contains an entry for this variant (Variation ID: 1990535). For these reasons, this variant has been classified as Pathogenic.

CeGaT Center for Human Genetics Tuebingen
Classification: Pathogenic. Last evaluated: 2023-10-01. Review status: criteria provided, single submitter. Criteria: CeGaT Center For Human Genetics Tuebingen Variant Classification Criteria Version 2. Collection method: clinical testing. Allele origin: germline. Affected: yes. Observed: 1 variant allele.
Comment: SZT2: PVS1, PM2

Genome-Nilou Lab
Classification: Pathogenic for Developmental and epileptic encephalopathy, 18. Last evaluated: 2023-04-11. Review status: criteria provided, single submitter. Criteria: ACMG Guidelines, 2015. Collection method: clinical testing. Allele origin: germline. Affected: no.

Literature cited by the submitters: PubMed 23932106 (cited by Labcorp Genetics (formerly Invitae), Labcorp); PubMed 27248490 (cited by Labcorp Genetics (formerly Invitae), Labcorp); PubMed 28556953 (cited by Labcorp Genetics (formerly Invitae), Labcorp).